The following is an entry in ClinVar:

ClinVar aggregate classification (germline): Uncertain significance (1 of 4 stars; one submission).

Conditions:
Short-rib thoracic dysplasia 14 with polydactyly (SRTD14). Identifiers: Orphanet 397715, MedGen C4225286, MONDO:0014688, OMIM 616546.
Joubert syndrome 23 (JBTS23). Identifiers: Orphanet 475, MedGen C4084822, MONDO:0014664, OMIM 616490.

Allele frequency attached by ClinVar (database versions not stated): gnomAD exomes below 0.00001; TOPMed below 0.00001.
gnomAD v4.1: 4 of 1,538,274 alleles (0.00026%); highest among the groups gnomAD compares: Non-Finnish European, 0.00026%; no homozygotes.

Submission:

Labcorp Genetics (formerly Invitae), Labcorp
Classification: Uncertain significance for Joubert syndrome 23; Short-rib thoracic dysplasia 14 with polydactyly. Last evaluated: 2022-04-13. Review status: criteria provided, single submitter. Criteria: Invitae Variant Classification Sherloc (09022015). Collection method: clinical testing. Allele origin: germline.
Comment: This sequence change affects codon 1383 of the KIAA0586 mRNA. It is a 'silent' change, meaning that it does not change the encoded amino acid sequence of the KIAA0586 protein. This variant also falls at the last nucleotide of exon 28, which is part of the consensus splice site for this exon. This variant is not present in population databases (gnomAD no frequency). This variant has not been reported in the literature in individuals affected with KIAA0586-related conditions. Variants that disrupt the consensus splice site are a relatively common cause of aberrant splicing (PMID: 17576681, 9536098). Algorithms developed to predict the effect of sequence changes on RNA splicing suggest that this variant may disrupt the consensus splice site. In summary, the available evidence is currently insufficient to determine the role of this variant in disease. Therefore, it has been classified as a Variant of Uncertain Significance.

Literature cited by the submitters: PubMed 17576681; PubMed 9536098.

NM_001329943.3(KIAA0586):c.3990G>A (p.Glu1330=)

Gene: KIAA0586 (KIAA0586; plus strand). Cytogenetic location: 14q23.1.
Variant type: single nucleotide variant.
Coding change: c.3990G>A on transcript NM_001329943.3 (MANE Select); coding-DNA position 3990, G replaced by A.
Protein change: p.Glu1330=; no amino-acid change (glutamic acid 1330 retained).
Molecular consequence: synonymous variant. On other transcripts: intron variant (1).
Genome position (GRCh38, 1-based): chr14:58,492,275, G>A. VCF-style: chr14-58492275-G-A. GRCh37 (hg19) VCF-style: chr14-58958993-G-A.
Other names: c.4149G>A, p.Glu1383= (NM_001244189.2); c.3945G>A, p.Glu1315= (NM_001244190.2); c.3735G>A, p.Glu1245= (NM_001244191.2, NM_001329945.2, NM_001364700.1 and 1 more transcripts); c.3858G>A, p.Glu1286= (NM_001244192.2); c.3570G>A, p.Glu1190= (NM_001244193.2); c.3990G>A, p.Glu1330= (NM_001329944.2, NM_001329946.2); c.3762G>A, p.Glu1254= (NM_014749.5); c.3858+2035G>A (NM_001329947.2).
Identifiers: ClinVar variation 2175990 (VCV002175990.2), dbSNP rs1409769097, ClinGen allele CA486545038.